The following is an entry in ClinVar:

ClinVar aggregate classification (germline): Uncertain significance. Review status: criteria provided, multiple submitters, no conflicts (2 of 4 stars). 5 submissions from 5 submitters: Uncertain significance (5). Last evaluated 2025-06-27.

Conditions:
Neuroblastoma, susceptibility to, 1. Identifiers: MedGen C2749485, MONDO:0009741, OMIM 256700.
Charcot-Marie-Tooth disease type 2. Also called: Charcot-Marie-Tooth type 2. Identifiers: Orphanet 64746, MedGen C0270914, MONDO:0018993.

Allele frequency attached by ClinVar (database versions not stated): TOPMed below 0.00001; gnomAD exomes 0.00001 and 0.00003; gnomAD 0.00002.

Submissions (5):

Dasa
Classification: Uncertain significance. Last evaluated: 2025-06-27. Review status: criteria provided, single submitter. Criteria: DASA Assertion Criteria. Collection method: clinical testing. Allele origin: germline.
Comment: NM_001365951.3(KIF1B):c.668T>C (p.Ile223Thr) is a missense variant that results in the substitution of isoleucine with threonine. This variant is rare in population databases. Computational prediction algorithms are consistent with a deleterious effect. The currently available literature and clinical evidence are not sufficient to establish a definitive association between this variant and the reported condition. Therefore, this variant is classified as a variant of uncertain significance.

Ambry Genetics
Classification: Uncertain significance. Last evaluated: 2024-09-30. Review status: criteria provided, single submitter. Criteria: Ambry Variant Classification Scheme 2023. Collection method: clinical testing. Allele origin: germline.
Comment: The p.I223T variant (also known as c.668T>C), located in coding exon 6 of the KIF1B gene, results from a T to C substitution at nucleotide position 668. The isoleucine at codon 223 is replaced by threonine, an amino acid with similar properties. This alteration has been identified via whole exome sequencing in a neuropathy patient with a clinical diagnosis of Charcot-Marie-Tooth disease type 2, in conjunction with alterations in AIFM1, AARS and WNK1 (Gonzaga-Jauregui C et al. Cell Rep, 2015 Aug;12:1169-83). This amino acid position is highly conserved in available vertebrate species. In addition, this alteration is predicted to be deleterious by in silico analysis. Since supporting evidence is limited at this time, the clinical significance of this alteration remains unclear.

St. Jude Molecular Pathology, St. Jude Children's Research Hospital
Classification: Uncertain significance for Neuroblastoma, susceptibility to, 1. Last evaluated: 2023-12-02. Review status: criteria provided, single submitter. Criteria: St. Jude Assertion Criteria 2020. Collection method: clinical testing. Allele origin: germline.
Comment: The KIF1B c.668T>C (p.Ile223Thr) missense change has a maximum subpopulation frequency of 0.002% in gnomAD v2.1.1. The in silico tool REVEL predicts a deleterious effect on protein function, but to our knowledge this prediction has not been confirmed by functional studies. In summary, the evidence currently available is insufficient to determine the clinical significance of this variant. It has therefore been classified as of uncertain significance.

Blueprint Genetics
Classification: Uncertain significance. Last evaluated: 2023-07-07. Review status: criteria provided, single submitter. Criteria: ACMG Guidelines, 2015. Collection method: clinical testing. Allele origin: germline.

Labcorp Genetics (formerly Invitae), Labcorp
Classification: Uncertain significance for Charcot-Marie-Tooth disease type 2. Last evaluated: 2020-10-03. Review status: criteria provided, single submitter. Criteria: Invitae Variant Classification Sherloc (09022015). Collection method: clinical testing. Allele origin: germline.
Comment: This sequence change replaces isoleucine with threonine at codon 223 of the KIF1B protein (p.Ile223Thr). The isoleucine residue is highly conserved and there is a moderate physicochemical difference between isoleucine and threonine. In summary, the available evidence is currently insufficient to determine the role of this variant in disease. Therefore, it has been classified as a Variant of Uncertain Significance. Algorithms developed to predict the effect of missense changes on protein structure and function (SIFT, PolyPhen-2, Align-GVGD) all suggest that this variant is likely to be disruptive, but these predictions have not been confirmed by published functional studies and their clinical significance is uncertain. This variant has not been reported in the literature in individuals with KIF1B-related conditions. This variant is not present in population databases (ExAC no frequency).

Literature cited by the submitters: PubMed 26257172 (cited by Ambry Genetics).

NM_001365951.3(KIF1B):c.668T>C (p.Ile223Thr)

Gene: KIF1B (kinesin family member 1B; plus strand). Cytogenetic location: 1p36.22.
Variant type: single nucleotide variant.
Coding change: c.668T>C on transcript NM_001365951.3 (MANE Select); coding-DNA position 668, T replaced by C.
Protein change: p.Ile223Thr; replaces isoleucine 223 with threonine.
Molecular consequence: missense variant.
Genome position (GRCh38, 1-based): chr1:10,268,211, T>C. VCF-style: chr1-10268211-T-C. GRCh37 (hg19) VCF-style: chr1-10328269-T-C.
Other names: c.668T>C, p.Ile223Thr (NM_001365952.1, NM_001365953.1, NM_015074.3 and 1 more transcripts); short protein forms I223T.
Identifiers: ClinVar variation 1039307 (VCV001039307.16), dbSNP rs923434398, ClinGen allele CA17836682.